The following is an entry in ClinVar:

NM_000143.4(FH):c.65T>G (p.Leu22Ter)

Gene: FH (fumarate hydratase; minus strand). Cytogenetic location: 1q43.
Variant type: single nucleotide variant.
Coding change: c.65T>G on transcript NM_000143.4 (MANE Select); coding-DNA position 65, T replaced by G.
Protein change: p.Leu22Ter; replaces leucine 22 with a stop codon.
Molecular consequence: nonsense.
Genome position (GRCh38, 1-based): chr1:241,519,658, A>C on the plus strand (T>G on the coding strand, the complement: FH is on the minus strand). VCF-style: chr1-241519658-A-C. GRCh37 (hg19) VCF-style: chr1-241682958-A-C.
Other names: short protein forms L22*.
Identifiers: ClinVar variation 826506 (VCV000826506.16), dbSNP rs1031919395, ClinGen allele CA40338006.

ClinVar aggregate classification (germline): Conflicting classifications of pathogenicity. Review status: criteria provided, conflicting classifications (1 of 4 stars). 4 submissions from 4 submitters: Pathogenic (1); Uncertain significance (3). Last evaluated 2025-11-20.

Conditions:
Hereditary cancer-predisposing syndrome. Also called: Neoplastic Syndromes, Hereditary; Hereditary Cancer Syndrome; Hereditary neoplastic syndrome; Tumor predisposition. Identifiers: Orphanet 140162, MedGen C0027672, MeSH D009386, MONDO:0015356.
Fumarase deficiency (FMRD). Also called: Fumarate Hydratase Deficiency; Fumaric aciduria. Identifiers: Orphanet 24, MedGen C0342770, MONDO:0011730, OMIM 606812.

Allele frequency attached by ClinVar (database versions not stated): gnomAD 0.00002.
gnomAD v4.1: 3 of 1,547,916 alleles (0.00019%); highest among the groups gnomAD compares: African/African-American, 0.0041%; no homozygotes.

Submissions (4):

Ambry Genetics
Classification: Uncertain significance for Hereditary cancer-predisposing syndrome. Last evaluated: 2025-11-20. Review status: criteria provided, single submitter. Criteria: Ambry Variant Classification Scheme 2023. Collection method: clinical testing. Allele origin: germline.
Comment: The p.L22* variant (also known as c.65T>G), located in coding exon 1 of the FH gene, results from a T to G substitution at nucleotide position 65. This changes the amino acid from a leucine to a stop codon within coding exon 1. This alteration is expected to result in loss of function by premature protein truncation or nonsense-mediated mRNA decay. However, there is a second in-frame methionine at p.M44. Proteins initiated from the first methionine are targeted to the mitochondrion while proteins initiated from the second methionine are targeted to the cytoplasm due to the lack of the mitochondrial targeting sequence encoded between them (Dik E et al. Traffic, 2016 Jul;17:720-32; Magrane M et al., Database (Oxford) 2011). Data suggest that it is the cytoplasmic protein that conveys the tumor suppressor function of FH (Yogev O et al. PLoS Biol., 2010 Mar;8:e1000328). This alteration and others that are expected to adversely affect the protein before the second methionine, have been observed in numerous individuals who do not have a personal or family history that is consistent with or suggestive of HLRCC (Ambry internal data). The clinical impact of this variant in terms of autosomal recessive Fumarase Deficiency is also unclear due to the lack of this variant being associated with this autosomal recessive disease in the literature and internally. Based on the available evidence, the clinical significance of this variant remains unclear.

Labcorp Genetics (formerly Invitae), Labcorp
Classification: Pathogenic. Last evaluated: 2025-09-18. Review status: criteria provided, single submitter. Criteria: Invitae Variant Classification Sherloc (09022015). Collection method: clinical testing. Allele origin: germline.
Comment: FH has two initiator codons, p.Met1 and p.Met44, which result in two different functional isoforms that localize to the mitochondria and cytosol, respectively (PMID: 21929734, 27037871). Loss-of-function variants in FH are known to be pathogenic (PMID: 11865300, 21398687). Variants affecting the mitochondrial isoform confer risk for fumarate hydratase deficiency, while variants that affect the cytosolic isoform confer risk for FH tumor predisposition syndrome. It is expected to result in an absent or disrupted protein product. Loss-of-function variants in FH are known to be pathogenic (PMID: 11865300, 21398687). This variant is not present in population databases (gnomAD no frequency). This variant has not been reported in the literature in individuals affected with FH-related conditions. ClinVar contains an entry for this variant (Variation ID: 826506). This variant disrupts the mitochondria-targeting sequence (MTS) of the FH protein, which is important for protein import into the mitochondria (PMID: 27037871). This suggests that disruption of this region is causative of fumarate hydratase deficiency. For these reasons, this variant has been classified as Pathogenic for autosomal recessive fumarate hydratase deficiency. However, this variant is not likely to confer risk for autosomal dominant FH tumor predisposition syndrome.

Baylor Genetics
Classification: Uncertain significance for Fumarase deficiency. Last evaluated: 2023-08-30. Review status: criteria provided, single submitter. Criteria: ACMG Guidelines, 2015. Collection method: clinical testing. Allele origin: unknown.

GeneDx
Classification: Uncertain significance. Last evaluated: 2022-12-27. Review status: criteria provided, single submitter. Criteria: GeneDx Variant Classification Process June 2021. Collection method: clinical testing. Allele origin: germline. Affected: yes.
Comment: Has not been previously published as pathogenic or benign to our knowledge; Not observed at significant frequency in large population cohorts (gnomAD); Nonsense variant in a gene for which loss-of-function is a known mechanism of disease; however, a downstream in-frame ATG could serve as an alternate initiator codon (Dik et al., 2016); This variant is associated with the following publications: (PMID: 27037871)

Literature cited by the submitters: PubMed 20231875 (cited by Ambry Genetics); PubMed 21447597 (cited by Ambry Genetics); PubMed 27037871 (cited by Ambry Genetics and Labcorp Genetics (formerly Invitae), Labcorp); PubMed 21929734 (cited by Labcorp Genetics (formerly Invitae), Labcorp); PubMed 11865300 (cited by Labcorp Genetics (formerly Invitae), Labcorp); PubMed 21398687 (cited by Labcorp Genetics (formerly Invitae), Labcorp).